The following is an entry in ClinVar:

NM_006206.6(PDGFRA):c.3073A>G (p.Ile1025Val)

Gene: PDGFRA (platelet derived growth factor receptor alpha; plus strand). Cytogenetic location: 4q12.
Variant type: single nucleotide variant.
Coding change: c.3073A>G on transcript NM_006206.6 (MANE Select); coding-DNA position 3073, A replaced by G.
Protein change: p.Ile1025Val; replaces isoleucine 1025 with valine.
Molecular consequence: missense variant.
Genome position (GRCh38, 1-based): chr4:54,290,505, A>G. VCF-style: chr4-54290505-A-G. GRCh37 (hg19) VCF-style: chr4-55156672-A-G.
Other names: c.3148A>G, p.Ile1050Val (NM_001347828.2); c.3073A>G, p.Ile1025Val (NM_001347829.2); c.3112A>G, p.Ile1038Val (NM_001347830.2); short protein forms I1025V, I1038V, I1050V.
Identifiers: ClinVar variation 459085 (VCV000459085.15), dbSNP rs1553906669, ClinGen allele CA356896320.
Genomic context (GRCh38, chr4:54,290,505, plus strand): 5'-GGTGGTCTGGATGAGCAGAGACTGAGCGCTGACAGTGGCTACATCATTCCTCTGCCTGAC[A>G]TTGACCCTGTCCCTGAGGAGGAGGACCTGGGCAAGAGGAACAGACACAGGTAGCTGTGGG-3'
Protein context (NP_006197.1, residues 1015-1035): DSGYIIPLPD[Ile1025Val]DPVPEEEDLG

ClinVar aggregate classification (germline): Uncertain significance. Review status: criteria provided, multiple submitters, no conflicts (2 of 4 stars). 2 submissions from 2 submitters: Uncertain significance (2). Last evaluated 2026-01-28.

Conditions:
Hereditary cancer-predisposing syndrome. Also called: Tumor predisposition; Hereditary neoplastic syndrome; Neoplastic Syndromes, Hereditary; Hereditary Cancer Syndrome. Identifiers: Orphanet 140162, MedGen C0027672, MeSH D009386, MONDO:0015356.
Gastrointestinal stromal tumor. Also called: Gastrointestinal stroma tumor; Gastrointestinal stromal tumor, somatic. Identifiers: Orphanet 44890, MedGen C0238198, MeSH D046152, MONDO:0011719, OMIM 606764, HP:0100723.

gnomAD v4.1: 15 of 1,614,150 alleles (0.00093%); highest among the groups gnomAD compares: African/African-American, 0.0013%; no homozygotes.

Submissions (2):

Labcorp Genetics (formerly Invitae), Labcorp
Classification: Uncertain significance for Gastrointestinal stromal tumor. Last evaluated: 2026-01-28. Review status: criteria provided, single submitter. Criteria: Invitae Variant Classification Sherloc (09022015). Collection method: clinical testing. Allele origin: germline.
Comment: This sequence change replaces isoleucine, which is neutral and non-polar, with valine, which is neutral and non-polar, at codon 1025 of the PDGFRA protein (p.Ile1025Val). This variant is not present in population databases (gnomAD no frequency). This variant has not been reported in the literature in individuals affected with PDGFRA-related conditions. ClinVar contains an entry for this variant (Variation ID: 459085). An algorithm developed to predict the effect of missense changes on protein structure and function (PolyPhen-2) suggests that this variant is likely to be tolerated. In summary, the available evidence is currently insufficient to determine the role of this variant in disease. Therefore, it has been classified as a Variant of Uncertain Significance.

Ambry Genetics
Classification: Uncertain significance for Hereditary cancer-predisposing syndrome. Last evaluated: 2024-12-10. Review status: criteria provided, single submitter. Criteria: Ambry Variant Classification Scheme 2023. Collection method: clinical testing. Allele origin: germline.
Comment: The p.I1025V variant (also known as c.3073A>G), located in coding exon 21 of the PDGFRA gene, results from an A to G substitution at nucleotide position 3073. The isoleucine at codon 1025 is replaced by valine, an amino acid with highly similar properties. This amino acid position is not well conserved in available vertebrate species. In addition, this alteration is predicted to be tolerated by in silico analysis. Since supporting evidence is limited at this time, the clinical significance of this alteration remains unclear.